The following is an entry in ClinVar:

ClinVar aggregate classification (germline): Uncertain significance (1 of 4 stars; one submission).

Allele frequency attached by ClinVar (database versions not stated): ESP Exome Variant Server 0.00031.

Submission:

Labcorp Genetics (formerly Invitae), Labcorp
Classification: Uncertain significance. Last evaluated: 2026-01-29. Review status: criteria provided, single submitter. Criteria: Invitae Variant Classification Sherloc (09022015). Collection method: clinical testing. Allele origin: germline.
Comment: This sequence change replaces arginine, which is basic and polar, with glutamine, which is neutral and polar, at codon 103 of the TNFRSF6B protein (p.Arg103Gln). This variant is present in population databases (rs140998392, gnomAD 0.07%), and has an allele count higher than expected for a pathogenic variant. This variant has not been reported in the literature in individuals affected with TNFRSF6B-related conditions. ClinVar contains an entry for this variant (Variation ID: 1366159). An algorithm developed to predict the effect of missense changes on protein structure and function outputs the following: PolyPhen-2: "Benign". The glutamine amino acid residue is found in multiple mammalian species, which suggests that this missense change does not adversely affect protein function. In summary, the available evidence is currently insufficient to determine the role of this variant in disease. Therefore, it has been classified as a Variant of Uncertain Significance.

NM_003823.4(TNFRSF6B):c.308G>A (p.Arg103Gln)

Genes: RTEL1-TNFRSF6B (RTEL1-TNFRSF6B readthrough (NMD candidate); plus strand), TNFRSF6B (TNF receptor superfamily member 6b; plus strand). Cytogenetic location: 20q13.33.
Variant type: single nucleotide variant.
Coding change: c.308G>A on transcript NM_003823.4 (MANE Select); coding-DNA position 308, G replaced by A.
Protein change: p.Arg103Gln; replaces arginine 103 with glutamine.
Molecular consequence: missense variant. On other transcripts: non-coding transcript variant (1).
Genome position (GRCh38, 1-based): chr20:63,697,075, G>A. VCF-style: chr20-63697075-G-A. GRCh37 (hg19) VCF-style: chr20-62328428-G-A.
Other names: short protein forms R103Q.
Identifiers: ClinVar variation 1366159 (VCV001366159.6), dbSNP rs140998392, ClinGen allele CA9966405.
Genomic context (GRCh38, chr20:63,697,075, plus strand): 5'-ACTACCTAGAGCGCTGCCGCTACTGCAACGTCCTCTGCGGGGAGCGTGAGGAGGAGGCAC[G>A]GGCTTGCCACGCCACCCACAACCGTGCCTGCCGCTGCCGCACCGGCTTCTTCGCGCACGC-3'
Protein context (NP_003814.1, residues 93-113): VLCGEREEEA[Arg103Gln]ACHATHNRAC